The following is an entry in ClinVar:

NM_001128431.4(SLC39A14):c.838G>A (p.Gly280Arg)

Gene: SLC39A14 (solute carrier family 39 member 14; plus strand). Cytogenetic location: 8p21.3.
Variant type: single nucleotide variant.
Coding change: c.838G>A on transcript NM_001128431.4 (MANE Select); coding-DNA position 838, G replaced by A.
Protein change: p.Gly280Arg; replaces glycine 280 with arginine.
Molecular consequence: missense variant.
Genome position (GRCh38, 1-based): chr8:22,415,856, G>A. VCF-style: chr8-22415856-G-A. GRCh37 (hg19) VCF-style: chr8-22273369-G-A.
Other names: c.838G>A, p.Gly280Arg (NM_001135153.3, NM_001135154.3, NM_001351655.2 and 3 more transcripts); c.868G>A, p.Gly290Arg (NM_001351657.2, NM_001351658.2, NM_001351659.2); c.838G>A (NM_001135153.1); short protein forms G280R, G290R.
Identifiers: ClinVar variation 1362345 (VCV001362345.13), dbSNP rs111637707, ClinGen allele CA4667451.

ClinVar aggregate classification (germline): Uncertain significance. Review status: criteria provided, multiple submitters, no conflicts (2 of 4 stars). 4 submissions from 4 submitters: Uncertain significance (4). Last evaluated 2025-09-01.

Conditions:
Inborn genetic diseases. Identifiers: MedGen C0950123, MeSH D030342.

Allele frequency attached by ClinVar (database versions not stated): gnomAD 0.00013; gnomAD exomes 0.00016 and 0.00023; 1000 Genomes Project 0.00020; ExAC 0.00021; TOPMed 0.00022; ESP Exome Variant Server 0.00023; 1000 Genomes Project 30x 0.00031.
gnomAD v4.1: 255 of 1,613,404 alleles (0.016%); highest among the groups gnomAD compares: Middle Eastern, 0.15%; no homozygotes.

Submissions (4):

CeGaT Center for Human Genetics Tuebingen
Classification: Uncertain significance. Last evaluated: 2025-09-01. Review status: criteria provided, single submitter. Criteria: CeGaT Center For Human Genetics Tuebingen Variant Classification Criteria Version 2. Collection method: clinical testing. Allele origin: germline. Affected: yes. Observed: 1 variant allele.
Comment: SLC39A14: PM2

Blueprint Genetics
Classification: Uncertain significance. Last evaluated: 2024-10-17. Review status: criteria provided, single submitter. Criteria: ACMG Guidelines, 2015. Collection method: clinical testing. Allele origin: germline.

Ambry Genetics
Classification: Uncertain significance for Inborn genetic diseases. Last evaluated: 2024-03-30. Review status: criteria provided, single submitter. Criteria: Ambry Variant Classification Scheme 2023. Collection method: clinical testing. Allele origin: germline.

Labcorp Genetics (formerly Invitae), Labcorp
Classification: Uncertain significance. Last evaluated: 2022-10-17. Review status: criteria provided, single submitter. Criteria: Invitae Variant Classification Sherloc (09022015). Collection method: clinical testing. Allele origin: germline.
Comment: This sequence change replaces glycine, which is neutral and non-polar, with arginine, which is basic and polar, at codon 280 of the SLC39A14 protein (p.Gly280Arg). This variant is present in population databases (rs111637707, gnomAD 0.05%). This variant has not been reported in the literature in individuals affected with SLC39A14-related conditions. ClinVar contains an entry for this variant (Variation ID: 1362345). Advanced modeling of protein sequence and biophysical properties (such as structural, functional, and spatial information, amino acid conservation, physicochemical variation, residue mobility, and thermodynamic stability) performed at Invitae indicates that this missense variant is not expected to disrupt SLC39A14 protein function. In summary, the available evidence is currently insufficient to determine the role of this variant in disease. Therefore, it has been classified as a Variant of Uncertain Significance.